The following is an entry in ClinVar:

ClinVar aggregate classification (germline): Uncertain significance (1 of 4 stars; one submission).

Submission:

Labcorp Genetics (formerly Invitae), Labcorp
Classification: Uncertain significance. Last evaluated: 2025-10-26. Review status: criteria provided, single submitter. Criteria: Invitae Variant Classification Sherloc (09022015). Collection method: clinical testing. Allele origin: germline.
Comment: This sequence change replaces proline, which is neutral and non-polar, with leucine, which is neutral and non-polar, at codon 582 of the SPEG protein (p.Pro582Leu). This variant is not present in population databases (gnomAD no frequency). This variant has not been reported in the literature in individuals affected with SPEG-related conditions. An algorithm developed to predict the effect of missense changes on protein structure and function outputs the following: PolyPhen-2: "Benign". The leucine amino acid residue is found in multiple mammalian species, which suggests that this missense change does not adversely affect protein function. In summary, the available evidence is currently insufficient to determine the role of this variant in disease. Therefore, it has been classified as a Variant of Uncertain Significance.

NM_005876.5(SPEG):c.1745C>T (p.Pro582Leu)

Gene: SPEG (striated muscle enriched protein kinase; plus strand). Cytogenetic location: 2q35.
Variant type: single nucleotide variant.
Coding change: c.1745C>T on transcript NM_005876.5 (MANE Select); coding-DNA position 1745, C replaced by T.
Protein change: p.Pro582Leu; replaces proline 582 with leucine.
Molecular consequence: missense variant.
Genome position (GRCh38, 1-based): chr2:219,448,903, C>T. VCF-style: chr2-219448903-C-T. GRCh37 (hg19) VCF-style: chr2-220313625-C-T.
Other names: c.1775C>T, p.Pro592Leu (NM_001438924.1); c.1568C>T, p.Pro523Leu (NM_001438925.1); c.1463C>T, p.Pro488Leu (NM_001438926.1, NM_001438929.1); c.1433C>T, p.Pro478Leu (NM_001438927.1); c.1286C>T, p.Pro429Leu (NM_001438928.1, NM_001438933.1); c.1256C>T, p.Pro419Leu (NM_001438930.1, NM_001438934.1); c.1406C>T, p.Pro469Leu (NM_001438931.1); c.1199C>T, p.Pro400Leu (NM_001438932.1); short protein forms P419L, P469L, P488L, P523L, P400L, P429L, P478L, P582L.
Identifiers: ClinVar variation 4778178 (VCV004778178.1).